The following is an entry in ClinVar:

NM_001031685.3(TP53BP2):c.1902G>C (p.Gln634His)

Gene: TP53BP2 (tumor protein p53 binding protein 2; minus strand). Cytogenetic location: 1q41.
Variant type: single nucleotide variant.
Coding change: c.1902G>C on transcript NM_001031685.3 (MANE Select); coding-DNA position 1902, G replaced by C.
Protein change: p.Gln634His; replaces glutamine 634 with histidine.
Molecular consequence: missense variant.
Genome position (GRCh38, 1-based): chr1:223,798,261, C>G on the plus strand (G>C on the coding strand, the complement: TP53BP2 is on the minus strand). VCF-style: chr1-223798261-C-G. GRCh37 (hg19) VCF-style: chr1-223985963-C-G.
Other names: c.1515G>C, p.Gln505His (NM_005426.3); short protein forms Q634H, Q505H.
Identifiers: ClinVar variation 788948 (VCV000788948.7), dbSNP rs61824007, ClinGen allele CA1412723.
Genomic context (GRCh38, chr1:223,798,261, plus strand): 5'-GTTAAGAACCTTACCACTTGAAAAGTGTGGCCCTCTGGTATGAGTCTTGGTCAACGCGCT[C>G]TGCACAGCCTGCTGGAAGTTTTTTCCTGGCGCCTGCTGTTGCGTATACATGGAATATATT-3'
Protein context (NP_001026855.2, residues 624-644): APGKNFQQAV[Gln634His]SALTKTHTRG

ClinVar aggregate classification (germline): Benign. Review status: criteria provided, multiple submitters, no conflicts (2 of 4 stars). 3 submissions from 3 submitters: Benign (2). 1 of the submissions does not count toward it. Last evaluated 2019-12-31.

Conditions:
TP53BP2-related disorder. Also called: TP53BP2-related condition.

Allele frequency attached by ClinVar (database versions not stated): 1000 Genomes Project 30x 0.00312; 1000 Genomes Project 0.00359; ExAC 0.00825; TOPMed 0.00858; gnomAD 0.00873 and 0.00905; gnomAD exomes 0.00893 and 0.01215; ESP Exome Variant Server 0.01000.
gnomAD v4.1: 19,026 of 1,614,204 alleles (1.2%); highest among the groups gnomAD compares: Non-Finnish European, 1.4%; 156 homozygotes.

Submissions (3):

Labcorp Genetics (formerly Invitae), Labcorp
Classification: Benign. Last evaluated: 2019-12-31. Review status: criteria provided, single submitter. Criteria: Invitae Variant Classification Sherloc (09022015). Collection method: clinical testing. Allele origin: germline.

Breakthrough Genomics
Classification: Benign. Review status: criteria provided, single submitter. Criteria: ACMG Guidelines, 2015. Collection method: not provided. Allele origin: germline. Inheritance: Unknown mechanism. Affected: yes.

PreventionGenetics, part of Exact Sciences
Classification: Benign for TP53BP2-related condition. Last evaluated: 2019-02-20. Review status: no assertion criteria provided. Collection method: clinical testing. Allele origin: germline. Not counted in ClinVar's aggregate classification.
Comment: This variant is classified as benign based on ACMG/AMP sequence variant interpretation guidelines (Richards et al. 2015 PMID: 25741868, with internal and published modifications).